The following is an entry in ClinVar:

ClinVar aggregate classification (germline): Uncertain significance (1 of 4 stars; one submission).

Allele frequency attached by ClinVar (database versions not stated): gnomAD exomes below 0.00001; gnomAD 0.00001.
gnomAD v4.1: 11 of 1,614,186 alleles (0.00068%); highest among the groups gnomAD compares: Middle Eastern, 0.082%; no homozygotes.

Submission:

GeneDx
Classification: Uncertain significance. Last evaluated: 2017-03-10. Review status: criteria provided, single submitter. Criteria: GeneDx Variant Classification (06012015). Collection method: clinical testing. Allele origin: germline. Affected: yes.
Comment: The D629Y variant in the PYGL gene has not been reported previously as a pathogenic variant, nor as a benign variant, to our knowledge. The D629Y variant is not observed in large population cohorts (Lek et al., 2016; 1000 Genomes Consortium et al., 2015; Exome Variant Server). The D629Y variant is a non-conservative amino acid substitution, which is likely to impact secondary protein structure as these residues differ in polarity, charge, size and/or other properties. Although this substitution occurs at a position that is not conserved, in silico analysis predicts this variant is probably damaging to the protein structure/function. Therefore, we interpret D629Y as a variant of uncertain significance.

NM_002863.5(PYGL):c.1885G>T (p.Asp629Tyr)

Gene: PYGL (glycogen phosphorylase L; minus strand). Cytogenetic location: 14q22.1.
Variant type: single nucleotide variant.
Coding change: c.1885G>T on transcript NM_002863.5 (MANE Select); coding-DNA position 1885, G replaced by T.
Protein change: p.Asp629Tyr; replaces aspartic acid 629 with tyrosine.
Molecular consequence: missense variant.
Genome position (GRCh38, 1-based): chr14:50,911,814, C>A on the plus strand (G>T on the coding strand, the complement: PYGL is on the minus strand). VCF-style: chr14-50911814-C-A. GRCh37 (hg19) VCF-style: chr14-51378532-C-A.
Other names: c.1783G>T, p.Asp595Tyr (NM_001163940.2); short protein forms D629Y, D595Y.
Identifiers: ClinVar variation 423856 (VCV000423856.2), dbSNP rs1064796663, ClinGen allele CA16619871.